The following is an entry in ClinVar:

ClinVar aggregate classification (germline): Likely benign (1 of 4 stars; one submission).

Allele frequency attached by ClinVar (database versions not stated): ESP Exome Variant Server 0.00194; 1000 Genomes Project 0.00220; TOPMed 0.00243; 1000 Genomes Project 30x 0.00265; ExAC 0.00309.
gnomAD v4.1: 4,225 of 1,597,384 alleles (0.26%); highest among the groups gnomAD compares: Middle Eastern, 0.82%; 332 homozygotes.

Submission:

CeGaT Center for Human Genetics Tuebingen
Classification: Likely benign. Last evaluated: 2026-03-01. Review status: criteria provided, single submitter. Criteria: CeGaT Center For Human Genetics Tuebingen Variant Classification Criteria Version 2. Collection method: clinical testing. Allele origin: germline. Affected: yes. Observed: 6 variant alleles.
Comment: PCDHA2: BS2; PCDHA3: BS2; PCDHA5: BS2; PCDHA6: BS2; PCDHA7: BS2; PCDHA8: BS2; PCDHA9: BS2

NM_018908.3(PCDHA5):c.2352+33589C>T

Genes: PCDHA1 (protocadherin alpha 1; plus strand), PCDHA10 (protocadherin alpha 10; plus strand), PCDHA2 (protocadherin alpha 2; plus strand), PCDHA3 (protocadherin alpha 3; plus strand), PCDHA4 (protocadherin alpha 4; plus strand) and 6 more. Cytogenetic location: 5q31.3.
Variant type: single nucleotide variant.
Coding change: c.2352+33589C>T on transcript NM_018908.3 (MANE Select); 33589 bases into the intron after coding-DNA position 2352, C replaced by T.
Molecular consequence: intron variant. On other transcripts: synonymous variant (2).
Genome position (GRCh38, 1-based): chr5:140,857,716, C>T. VCF-style: chr5-140857716-C-T. GRCh37 (hg19) VCF-style: chr5-140237301-C-T.
Other names: c.2394+6827C>T (NM_031857.2); c.1599+69C>T (NM_031860.3); c.2388+60364C>T (NM_018905.3); c.2394+54125C>T (NM_018906.3); c.2385+48144C>T (NM_018907.4); c.2394+27231C>T (NM_018909.4); c.1602+28023C>T (NM_031849.3); c.2355+20978C>T (NM_018910.3); and 4 more.
Identifiers: ClinVar variation 2655780 (VCV002655780.24), dbSNP rs139533789, ClinGen allele CA3451253.
Genomic context (GRCh38, chr5:140,857,716, plus strand): 5'-GCGCGATGGGGGCGTGCCGCCTCTGGGCAGCAACTTGACGCTGCAGGTGTTCGTGCTGGA[C>T]GAGAACGACAACGCTCCCGCGCTGCTGGCGTCTCCCGCTGGCAGCGCGGGCGGTGCAGTC-3'